The following is an entry in ClinVar:

NM_000321.3(RB1):c.117G>A (p.Pro39=)

Gene: RB1 (RB transcriptional corepressor 1; plus strand). Cytogenetic location: 13q14.2.
Variant type: single nucleotide variant.
Coding change: c.117G>A on transcript NM_000321.3 (MANE Select); coding-DNA position 117, G replaced by A.
Protein change: p.Pro39=; no amino-acid change (proline 39 retained).
Molecular consequence: synonymous variant.
Genome position (GRCh38, 1-based): chr13:48,304,029, G>A. VCF-style: chr13-48304029-G-A. GRCh37 (hg19) VCF-style: chr13-48878165-G-A.
Other names: c.117G>A, p.Pro39= (NM_001407165.1, NM_001407166.1, NM_001407167.1).
Identifiers: ClinVar variation 3387552 (VCV003387552.3).

ClinVar aggregate classification (germline): Likely benign. Review status: criteria provided, multiple submitters, no conflicts (2 of 4 stars). 2 submissions from 2 submitters: Likely benign (2). Last evaluated 2024-07-19.

Conditions:
Retinoblastoma (RB1). Also called: RETINOBLASTOMA, SOMATIC. Identifiers: Orphanet 790, MedGen C0035335, MeSH D012175, MONDO:0008380, OMIM 180200, HP:0009919. Disease mechanism: loss of function. Inheritance: Both sporadic and heritable forms are tested..

Submissions (2):

Labcorp Genetics (formerly Invitae), Labcorp
Classification: Likely benign for Retinoblastoma. Last evaluated: 2024-07-19. Review status: criteria provided, single submitter. Criteria: Invitae Variant Classification Sherloc (09022015). Collection method: clinical testing. Allele origin: germline.

All of Us Research Program, National Institutes of Health
Classification: Likely benign for Retinoblastoma. Last evaluated: 2024-05-14. Review status: criteria provided, single submitter. Criteria: ACMG Guidelines, 2015. Collection method: clinical testing. Allele origin: germline. Inheritance: Autosomal dominant inheritance. Observed: 1 variant allele, 1 heterozygote.
Comment: This study involves interpretation of variants in research participants for the purpose of population health screening. Participant phenotype was not available at the time of variant classification. Additional details can be found in publication PMID: 35346344, PMCID: PMC8962531